The following is an entry in ClinVar:

NM_000197.2(HSD17B3):c.361G>A (p.Ala121Thr)

Genes: HSD17B3 (hydroxysteroid 17-beta dehydrogenase 3; minus strand), SLC35D2-HSD17B3 (SLC35D2-HSD17B3 readthrough; minus strand). Cytogenetic location: 9q22.32.
Variant type: single nucleotide variant.
Coding change: c.361G>A on transcript NM_000197.2 (MANE Select); coding-DNA position 361, G replaced by A.
Protein change: p.Ala121Thr; replaces alanine 121 with threonine.
Molecular consequence: missense variant. On other transcripts: non-coding transcript variant (1).
Genome position (GRCh38, 1-based): chr9:96,252,827, C>T on the plus strand (G>A on the coding strand, the complement: HSD17B3 is on the minus strand). VCF-style: chr9-96252827-C-T. GRCh37 (hg19) VCF-style: chr9-99015109-C-T.
Other names: short protein forms A121T.
Identifiers: ClinVar variation 2663623 (VCV002663623.1), dbSNP rs1587729516, ClinGen allele CA374125463.

ClinVar aggregate classification (germline): Uncertain significance (1 of 4 stars; one submission).

Allele frequency attached by ClinVar (database versions not stated): gnomAD exomes 0.00001.
gnomAD v4.1: 6 of 1,610,900 alleles (0.00037%); highest among the groups gnomAD compares: Non-Finnish European, 0.00051%; no homozygotes.

Submission:

GeneDx
Classification: Uncertain significance. Last evaluated: 2023-04-26. Review status: criteria provided, single submitter. Criteria: GeneDx Variant Classification Process June 2021. Collection method: clinical testing. Allele origin: germline. Affected: yes.
Comment: Not observed at significant frequency in large population cohorts (gnomAD); In silico analysis supports that this missense variant does not alter protein structure/function; Has not been previously published as pathogenic or benign to our knowledge